The following is an entry in ClinVar:

NM_017662.5(TRPM6):c.4221C>T (p.His1407=)

Gene: TRPM6 (transient receptor potential cation channel subfamily M member 6; minus strand). Cytogenetic location: 9q21.13.
Variant type: single nucleotide variant.
Coding change: c.4221C>T on transcript NM_017662.5 (MANE Select); coding-DNA position 4221, C replaced by T.
Protein change: p.His1407=; no amino-acid change (histidine 1407 retained).
Molecular consequence: synonymous variant.
Genome position (GRCh38, 1-based): chr9:74,762,450, G>A on the plus strand (C>T on the coding strand, the complement: TRPM6 is on the minus strand). VCF-style: chr9-74762450-G-A. GRCh37 (hg19) VCF-style: chr9-77377366-G-A.
Other names: p.His1407=; c.4206C>T, p.His1402= (NM_001177310.2, NM_001177311.2).
Identifiers: ClinVar variation 367305 (VCV000367305.17), dbSNP rs56331140, ClinGen allele CA5084140.

ClinVar aggregate classification (germline): Benign. Review status: criteria provided, multiple submitters, no conflicts (2 of 4 stars). 5 submissions from 5 submitters: Benign (5). Last evaluated 2026-02-01.

Conditions:
Intestinal hypomagnesemia 1. Also called: HYPOMAGNESEMIA, INTESTINAL, WITH SECONDARY HYPOCALCEMIA; HYPOMAGNESEMIC TETANY. Identifiers: Orphanet 30924, MedGen C1865974, MONDO:0011176, OMIM 602014.

Allele frequency attached by ClinVar (database versions not stated): ExAC 0.00636; gnomAD 0.01896 and 0.02029; 1000 Genomes Project 0.02077; TOPMed 0.02160; ESP Exome Variant Server 0.02161; 1000 Genomes Project 30x 0.02202.
gnomAD v4.1: 6,326 of 1,614,128 alleles (0.39%); highest among the groups gnomAD compares: African/African-American, 6.7%; 183 homozygotes.

Submissions (5):

Labcorp Genetics (formerly Invitae), Labcorp
Classification: Benign. Last evaluated: 2026-02-01. Review status: criteria provided, single submitter. Criteria: Invitae Variant Classification Sherloc (09022015). Collection method: clinical testing. Allele origin: germline.

Mayo Clinic Laboratories, Mayo Clinic
Classification: Benign. Last evaluated: 2023-03-25. Review status: criteria provided, single submitter. Criteria: ACMG Guidelines, 2015. Collection method: clinical testing. Allele origin: germline. Observed: 3 variant alleles.

GeneDx
Classification: Benign. Last evaluated: 2020-04-02. Review status: criteria provided, single submitter. Criteria: GeneDx Variant Classification Process June 2021. Collection method: clinical testing. Allele origin: germline. Affected: yes.

Illumina Laboratory Services, Illumina
Classification: Benign for Intestinal hypomagnesemia 1. Last evaluated: 2018-01-12. Review status: criteria provided, single submitter. Criteria: ICSL Variant Classification Criteria 13 December 2019. Collection method: clinical testing. Allele origin: germline.
Comment: This variant was observed in the ICSL laboratory as part of a predisposition screen in an ostensibly healthy population. It had not been previously curated by ICSL or reported in the Human Gene Mutation Database (HGMD: prior to June 1st, 2018), and was therefore a candidate for classification through an automated scoring system. Utilizing variant allele frequency, disease prevalence and penetrance estimates, and inheritance mode, an automated score was calculated to assess if this variant is too frequent to cause the disease. Based on the score and internal cut-off values, a variant classified as benign is not then subjected to further curation. The score for this variant resulted in a classification of benign for this disease.

Breakthrough Genomics
Classification: Benign. Review status: criteria provided, single submitter. Criteria: ACMG Guidelines, 2015. Collection method: not provided. Allele origin: germline. Inheritance: Autosomal recessive inheritance. Affected: yes.